The following is an entry in ClinVar:

NM_003906.5(MCM3AP):c.1333T>A (p.Tyr445Asn)

Gene: MCM3AP (minichromosome maintenance complex component 3 associated protein; minus strand). Cytogenetic location: 21q22.3.
Variant type: single nucleotide variant.
Coding change: c.1333T>A on transcript NM_003906.5 (MANE Select); coding-DNA position 1333, T replaced by A.
Protein change: p.Tyr445Asn; replaces tyrosine 445 with asparagine.
Molecular consequence: missense variant.
Genome position (GRCh38, 1-based): chr21:46,283,725, A>T on the plus strand (T>A on the coding strand, the complement: MCM3AP is on the minus strand). VCF-style: chr21-46283725-A-T. GRCh37 (hg19) VCF-style: chr21-47703639-A-T.
Other names: short protein forms Y445N.
Identifiers: ClinVar variation 1935313 (VCV001935313.3), dbSNP rs141457528, ClinGen allele CA10077118.

ClinVar aggregate classification (germline): Uncertain significance (1 of 4 stars; one submission).

Allele frequency attached by ClinVar (database versions not stated): gnomAD 0.00001; ExAC 0.00002; TOPMed 0.00003; ESP Exome Variant Server 0.00015.
gnomAD v4.1: 3 of 1,613,648 alleles (0.00019%); highest among the groups gnomAD compares: African/African-American, 0.0027%; no homozygotes.

Submission:

Labcorp Genetics (formerly Invitae), Labcorp
Classification: Uncertain significance. Last evaluated: 2022-03-25. Review status: criteria provided, single submitter. Criteria: Invitae Variant Classification Sherloc (09022015). Collection method: clinical testing. Allele origin: germline.
Comment: In summary, the available evidence is currently insufficient to determine the role of this variant in disease. Therefore, it has been classified as a Variant of Uncertain Significance. Algorithms developed to predict the effect of missense changes on protein structure and function (SIFT, PolyPhen-2, Align-GVGD) all suggest that this variant is likely to be tolerated. This variant has not been reported in the literature in individuals affected with MCM3AP-related conditions. This variant is present in population databases (rs141457528, gnomAD 0.007%). This sequence change replaces tyrosine, which is neutral and polar, with asparagine, which is neutral and polar, at codon 445 of the MCM3AP protein (p.Tyr445Asn).